The following is an entry in ClinVar:

ClinVar aggregate classification (germline): Uncertain significance. Review status: criteria provided, multiple submitters, no conflicts (2 of 4 stars). 2 submissions from 2 submitters: Uncertain significance (2). Last evaluated 2024-11-16.

Conditions:
Inborn genetic diseases. Identifiers: MedGen C0950123, MeSH D030342.

Allele frequency attached by ClinVar (database versions not stated): ExAC 0.00006; TOPMed 0.00008; gnomAD 0.00010.

Submissions (2):

Ambry Genetics
Classification: Uncertain significance for Inborn genetic diseases. Last evaluated: 2024-11-16. Review status: criteria provided, single submitter. Criteria: Ambry Variant Classification Scheme 2023. Collection method: clinical testing. Allele origin: germline.

Labcorp Genetics (formerly Invitae), Labcorp
Classification: Uncertain significance. Last evaluated: 2023-10-18. Review status: criteria provided, single submitter. Criteria: Invitae Variant Classification Sherloc (09022015). Collection method: clinical testing. Allele origin: germline.
Comment: This sequence change replaces arginine, which is basic and polar, with cysteine, which is neutral and slightly polar, at codon 375 of the MLPH protein (p.Arg375Cys). This variant is present in population databases (rs772465868, gnomAD 0.02%). This variant has not been reported in the literature in individuals affected with MLPH-related conditions. Advanced modeling of protein sequence and biophysical properties (such as structural, functional, and spatial information, amino acid conservation, physicochemical variation, residue mobility, and thermodynamic stability) performed at Invitae indicates that this missense variant is not expected to disrupt MLPH protein function. In summary, the available evidence is currently insufficient to determine the role of this variant in disease. Therefore, it has been classified as a Variant of Uncertain Significance.

NM_024101.7(MLPH):c.1123C>T (p.Arg375Cys)

Gene: MLPH (melanophilin; plus strand). Cytogenetic location: 2q37.3.
Variant type: single nucleotide variant.
Coding change: c.1123C>T on transcript NM_024101.7 (MANE Select); coding-DNA position 1123, C replaced by T.
Protein change: p.Arg375Cys; replaces arginine 375 with cysteine.
Molecular consequence: missense variant. On other transcripts: non-coding transcript variant (1).
Genome position (GRCh38, 1-based): chr2:237,540,366, C>T. VCF-style: chr2-237540366-C-T. GRCh37 (hg19) VCF-style: chr2-238449009-C-T.
Other names: c.1039C>T, p.Arg347Cys (NM_001042467.3); c.919C>T, p.Arg307Cys (NM_001281473.2); c.694C>T, p.Arg232Cys (NM_001281474.2); short protein forms R375C, R232C, R307C, R347C.
Identifiers: ClinVar variation 2720569 (VCV002720569.4), dbSNP rs772465868, ClinGen allele CA2190498.
Genomic context (GRCh38, chr2:237,540,366, plus strand): 5'-AGATGGCTAGCCGAATCCAAATCCACTGGCCTGTTCTGTCAGGGTCTAGGTGCTGGAGTG[C>T]GCACGGAGGCCGATGTAGAGGAGGAGGCCCTGAGGAGGAAGCTGGAGGAGCTGACCAGCA-3'
Protein context (NP_077006.1, residues 365-385): PLAKGLGAGV[Arg375Cys]TEADVEEEAL